The following is an entry in ClinVar:

NM_004329.3(BMPR1A):c.676-19T>G

Gene: BMPR1A (bone morphogenetic protein receptor type 1A; plus strand). Cytogenetic location: 10q23.2.
Variant type: single nucleotide variant.
Coding change: c.676-19T>G on transcript NM_004329.3 (MANE Select); 19 bases into the intron before coding-DNA position 676, T replaced by G.
Molecular consequence: intron variant.
Genome position (GRCh38, 1-based): chr10:86,917,115, T>G. VCF-style: chr10-86917115-T-G. GRCh37 (hg19) VCF-style: chr10-88676872-T-G.
Identifiers: ClinVar variation 512116 (VCV000512116.4), dbSNP rs1554890725, ClinGen allele CA658797464.

ClinVar aggregate classification (germline): Likely benign. Review status: criteria provided, multiple submitters, no conflicts (2 of 4 stars). 2 submissions from 2 submitters: Likely benign (2). Last evaluated 2025-10-05.

Conditions:
Juvenile polyposis syndrome (JPS). Identifiers: Orphanet 2929, MedGen C0345893, MONDO:0017380, OMIM 174900.

Submissions (2):

Labcorp Genetics (formerly Invitae), Labcorp
Classification: Likely benign for Juvenile polyposis syndrome. Last evaluated: 2025-10-05. Review status: criteria provided, single submitter. Criteria: Invitae Variant Classification Sherloc (09022015). Collection method: clinical testing. Allele origin: germline.

GeneDx
Classification: Likely benign. Last evaluated: 2017-09-15. Review status: criteria provided, single submitter. Criteria: GeneDx Variant Classification (06012015). Collection method: clinical testing. Allele origin: germline. Affected: yes.
Comment: This variant is considered likely benign or benign based on one or more of the following criteria: it is a conservative change, it occurs at a poorly conserved position in the protein, it is predicted to be benign by multiple in silico algorithms, and/or has population frequency not consistent with disease.